The following is an entry in ClinVar:

ClinVar aggregate classification (germline): Conflicting classifications of pathogenicity. Review status: criteria provided, conflicting classifications (1 of 4 stars). 3 submissions from 3 submitters: Uncertain significance (2); Benign (1). Last evaluated 2025-03-20.

Conditions:
Juvenile polyposis/hereditary hemorrhagic telangiectasia syndrome (JPHT). Also called: JP/HHT SYNDROME; JUVENILE POLYPOSIS WITH HEREDITARY HEMORRHAGIC TELANGIECTASIA; POLYPOSIS, GENERALIZED JUVENILE, WITH PULMONARY ARTERIOVENOUS MALFORMATION; TELANGIECTASIA, HEREDITARY HEMORRHAGIC, WITH JUVENILE POLYPOSIS COLI; Juvenile Polyposis Syndrome / Hereditary Hemorrhagic Telangiectasia (JPS/HHT). Identifiers: Orphanet 2929, MedGen C1832942, MONDO:0008278, OMIM 175050.
Hereditary cancer-predisposing syndrome. Also called: Neoplastic Syndromes, Hereditary; Tumor predisposition; Hereditary neoplastic syndrome; Hereditary Cancer Syndrome. Identifiers: Orphanet 140162, MedGen C0027672, MeSH D009386, MONDO:0015356.
Juvenile polyposis syndrome (JPS). Identifiers: Orphanet 2929, MedGen C0345893, MONDO:0017380, OMIM 174900.

Submissions (3):

Myriad Genetics, Inc.
Classification: Benign for Juvenile polyposis/hereditary hemorrhagic telangiectasia syndrome. Last evaluated: 2025-03-20. Review status: criteria provided, single submitter. Criteria: Myriad Autosomal Dominant, Autosomal Recessive and X-Linked Classification Criteria (2023). Collection method: clinical testing. Allele origin: unknown.
Comment: This variant is considered benign. This variant is a silent/synonymous amino acid change and it is not expected to impact splicing.

Labcorp Genetics (formerly Invitae), Labcorp
Classification: Uncertain significance for Juvenile polyposis syndrome. Last evaluated: 2024-12-15. Review status: criteria provided, single submitter. Criteria: Invitae Variant Classification Sherloc (09022015). Collection method: clinical testing. Allele origin: germline.
Comment: This sequence change affects codon 349 of the SMAD4 mRNA. It is a 'silent' change, meaning that it does not change the encoded amino acid sequence of the SMAD4 protein. This variant is not present in population databases (gnomAD no frequency). This variant has not been reported in the literature in individuals affected with SMAD4-related conditions. ClinVar contains an entry for this variant (Variation ID: 2774526). Algorithms developed to predict the effect of sequence changes on RNA splicing suggest that this variant may disrupt the consensus splice site. In summary, the available evidence is currently insufficient to determine the role of this variant in disease. Therefore, it has been classified as a Variant of Uncertain Significance.

Color Diagnostics, LLC DBA Color Health
Classification: Uncertain significance for Hereditary cancer-predisposing syndrome. Last evaluated: 2021-10-19. Review status: criteria provided, single submitter. Criteria: ACMG Guidelines, 2015. Collection method: clinical testing. Allele origin: germline.
Comment: This variant is a synonymous variant located in exon 9 of the SMAD4 gene. Splice site prediction tools suggest that this variant may impact RNA splicing. To our knowledge, RNA studies have not been reported for this variant. This variant has not been reported in individuals affected with hereditary cancer in the literature. This variant has not been identified in the general population by the Genome Aggregation Database (gnomAD). The available evidence is insufficient to determine the role of this variant in disease conclusively. Therefore, this variant is classified as a Variant of Uncertain Significance.

NM_005359.6(SMAD4):c.1047T>A (p.Thr349=)

Gene: SMAD4 (SMAD family member 4; plus strand). Cytogenetic location: 18q21.2.
Variant type: single nucleotide variant.
Coding change: c.1047T>A on transcript NM_005359.6 (MANE Select); coding-DNA position 1047, T replaced by A.
Protein change: p.Thr349=; no amino-acid change (threonine 349 retained).
Molecular consequence: synonymous variant. On other transcripts: non-coding transcript variant (2).
Genome position (GRCh38, 1-based): chr18:51,065,514, T>A. VCF-style: chr18-51065514-T-A. GRCh37 (hg19) VCF-style: chr18-48591884-T-A.
Other names: c.1047T>A, p.Thr349= (NM_001407041.1, NM_001407042.1, NM_001407043.1).
Identifiers: ClinVar variation 2774526 (VCV002774526.5), dbSNP rs2144447056, ClinGen allele CA503874132.
Genomic context (GRCh38, chr18:51,065,514, plus strand): 5'-TGAAATGGATGTTCAGGTAGGAGAGACATTTAAGGTTCCTTCAAGCTGCCCTATTGTTAC[T>A]GTTGATGGATACGTGGACCCTTCTGGAGGAGATCGCTTTTGTTTGGGTCAACTCTCCAAT-3'
Protein context (NP_005350.1, residues 339-359): FKVPSSCPIV[Thr349=]VDGYVDPSGG